The following is an entry in ClinVar:

ClinVar aggregate classification (germline): Conflicting classifications of pathogenicity. Review status: criteria provided, conflicting classifications (1 of 4 stars). 6 submissions from 6 submitters: Uncertain significance (1); Likely benign (3). 2 of the submissions do not count toward it. Last evaluated 2026-01-21.

Conditions:
Bardet-Biedl syndrome (BBS). Identifiers: Orphanet 110, MedGen C0752166, MONDO:0015229.
BBS2-related disorder. Also called: BBS2-related disorders; BBS2-related condition. Identifiers: MedGen CN239228.
Bardet-Biedl syndrome 2 (BBS2). Identifiers: Orphanet 110, MedGen C2936863, MONDO:0014432, OMIM 615981.

Allele frequency attached by ClinVar (database versions not stated): 1000 Genomes Project 30x 0.00016; gnomAD exomes 0.00018; 1000 Genomes Project 0.00020; ExAC 0.00021; gnomAD 0.00023 and 0.00024; TOPMed 0.00024; ESP Exome Variant Server 0.00031.
gnomAD v4.1: 356 of 1,614,042 alleles (0.022%); highest among the groups gnomAD compares: East Asian, 0.031%; no homozygotes.

Submissions (6):

Labcorp Genetics (formerly Invitae), Labcorp
Classification: Likely benign for Bardet-Biedl syndrome. Last evaluated: 2026-01-21. Review status: criteria provided, single submitter. Criteria: Invitae Variant Classification Sherloc (09022015). Collection method: clinical testing. Allele origin: germline.

Blueprint Genetics
Classification: Likely benign. Last evaluated: 2024-10-30. Review status: criteria provided, single submitter. Criteria: ACMG Guidelines, 2015. Collection method: clinical testing. Allele origin: germline.

CeGaT Center for Human Genetics Tuebingen
Classification: Likely benign. Last evaluated: 2024-07-01. Review status: criteria provided, single submitter. Criteria: CeGaT Center For Human Genetics Tuebingen Variant Classification Criteria Version 2. Collection method: clinical testing. Allele origin: germline. Affected: yes. Observed: 1 variant allele.
Comment: BBS2: BP4, BP7

Illumina Laboratory Services, Illumina
Classification: Uncertain significance for Bardet-Biedl syndrome 2. Last evaluated: 2018-01-13. Review status: criteria provided, single submitter. Criteria: ICSL Variant Classification Criteria 13 December 2019. Collection method: clinical testing. Allele origin: germline.

PreventionGenetics, part of Exact Sciences
Classification: Likely benign for BBS2-related condition. Last evaluated: 2024-06-25. Review status: no assertion criteria provided. Collection method: clinical testing. Allele origin: germline. Not counted in ClinVar's aggregate classification.
Comment: This variant is classified as likely benign based on ACMG/AMP sequence variant interpretation guidelines (Richards et al. 2015 PMID: 25741868, with internal and published modifications).

Natera, Inc.
Classification: Likely benign for Bardet-Biedl syndrome type 2. Last evaluated: 2020-04-25. Review status: no assertion criteria provided. Collection method: clinical testing. Allele origin: germline. Not counted in ClinVar's aggregate classification.

NM_031885.5(BBS2):c.1104C>T (p.Asn368=)

Gene: BBS2 (Bardet-Biedl syndrome 2; minus strand). Cytogenetic location: 16q13.
Variant type: single nucleotide variant.
Coding change: c.1104C>T on transcript NM_031885.5 (MANE Select); coding-DNA position 1104, C replaced by T.
Protein change: p.Asn368=; no amino-acid change (asparagine 368 retained).
Molecular consequence: synonymous variant. On other transcripts: non-coding transcript variant (5).
Genome position (GRCh38, 1-based): chr16:56,501,474, G>A on the plus strand (C>T on the coding strand, the complement: BBS2 is on the minus strand). VCF-style: chr16-56501474-G-A. GRCh37 (hg19) VCF-style: chr16-56535386-G-A.
Other names: c.1104C>T, p.Asn368= (NM_001377456.1).
Identifiers: ClinVar variation 319860 (VCV000319860.35), dbSNP rs141731677, ClinGen allele CA8065828.